The following is an entry in ClinVar:

ClinVar aggregate classification (germline): Uncertain significance. Review status: criteria provided, multiple submitters, no conflicts (2 of 4 stars). 2 submissions from 2 submitters: Uncertain significance (2). Last evaluated 2024-02-16.

Conditions:
Kabuki syndrome 2 (KABUK2). Also called: KDM6A-Related Kabuki Syndrome. Identifiers: Orphanet 2322, MedGen C3275495, MONDO:0010465, OMIM 300867.

Allele frequency attached by ClinVar (database versions not stated): gnomAD 0.00001; TOPMed 0.00001.
gnomAD v4.1: 8 of 1,208,576 alleles (0.00066%); highest among the groups gnomAD compares: Non-Finnish European, 0.00089%; no homozygotes.

Submissions (2):

Labcorp Genetics (formerly Invitae), Labcorp
Classification: Uncertain significance for Kabuki syndrome 2. Last evaluated: 2024-02-16. Review status: criteria provided, single submitter. Criteria: Invitae Variant Classification Sherloc (09022015). Collection method: clinical testing. Allele origin: germline.
Comment: This sequence change replaces asparagine, which is neutral and polar, with histidine, which is basic and polar, at codon 536 of the KDM6A protein (p.Asn536His). This variant is not present in population databases (gnomAD no frequency). This variant has not been reported in the literature in individuals affected with KDM6A-related conditions. ClinVar contains an entry for this variant (Variation ID: 2070511). Advanced modeling of protein sequence and biophysical properties (such as structural, functional, and spatial information, amino acid conservation, physicochemical variation, residue mobility, and thermodynamic stability) performed at Invitae indicates that this missense variant is not expected to disrupt KDM6A protein function with a negative predictive value of 80%. In summary, the available evidence is currently insufficient to determine the role of this variant in disease. Therefore, it has been classified as a Variant of Uncertain Significance.

GeneDx
Classification: Uncertain significance. Last evaluated: 2022-09-22. Review status: criteria provided, single submitter. Criteria: GeneDx Variant Classification Process June 2021. Collection method: clinical testing. Allele origin: germline. Affected: yes.
Comment: Not observed at significant frequency in large population cohorts (gnomAD); In silico analysis supports that this missense variant has a deleterious effect on protein structure/function; Has not been previously published as pathogenic or benign to our knowledge

NM_001291415.2(KDM6A):c.1762A>C (p.Asn588His)

Gene: KDM6A (lysine demethylase 6A; plus strand). Cytogenetic location: Xp11.3.
Variant type: single nucleotide variant.
Coding change: c.1762A>C on transcript NM_001291415.2 (MANE Select); coding-DNA position 1762, A replaced by C.
Protein change: p.Asn588His; replaces asparagine 588 with histidine.
Molecular consequence: missense variant. On other transcripts: non-coding transcript variant (1).
Genome position (GRCh38, 1-based): chrX:45,063,500, A>C. VCF-style: chrX-45063500-A-C. GRCh37 (hg19) VCF-style: chrX-44922745-A-C.
Other names: c.1606A>C (NM_021140.2); c.1627A>C, p.Asn543His (NM_001291416.2); c.1471A>C, p.Asn491His (NM_001291417.2); c.1369A>C, p.Asn457His (NM_001291418.2); c.718A>C, p.Asn240His (NM_001291421.2); c.1504A>C, p.Asn502His (NM_001410742.1); c.1606A>C, p.Asn536His (NM_021140.4); short protein forms N536H, N457H, N491H, N543H, N502H, N588H, N240H.
Identifiers: ClinVar variation 2070511 (VCV002070511.5), dbSNP rs1290568312, ClinGen allele CA16040211.